The following is an entry in ClinVar:

NM_001039141.3(TRIOBP):c.5578-9G>A

Genes: TRIOBP (TRIO and F-actin binding protein; plus strand), LOC126863145 (CDK7 strongly-dependent group 2 enhancer GRCh37_chr22:38150829-38152028; plus strand). Cytogenetic location: 22q13.1.
Variant type: single nucleotide variant.
Coding change: c.5578-9G>A on transcript NM_001039141.3 (MANE Select); 9 bases into the intron before coding-DNA position 5578, G replaced by A.
Molecular consequence: intron variant.
Genome position (GRCh38, 1-based): chr22:37,755,541, G>A. VCF-style: chr22-37755541-G-A. GRCh37 (hg19) VCF-style: chr22-38151548-G-A.
Other names: c.439-9G>A (NM_007032.5, NM_138632.2).
Identifiers: ClinVar variation 1308313 (VCV001308313.2), dbSNP rs772024390, ClinGen allele CA10224759.

ClinVar aggregate classification (germline): Uncertain significance (1 of 4 stars; one submission).

Allele frequency attached by ClinVar (database versions not stated): TOPMed 0.00005.
gnomAD v4.1: 51 of 1,612,326 alleles (0.0032%); highest among the groups gnomAD compares: Non-Finnish European, 0.00085%; no homozygotes.

Submission:

GeneDx
Classification: Uncertain significance. Last evaluated: 2019-03-25. Review status: criteria provided, single submitter. Criteria: GeneDx Variant Classification Process June 2021. Collection method: clinical testing. Allele origin: germline. Affected: yes.
Comment: In silico analysis, which includes splice predictors and evolutionary conservation, supports a deleterious effect; Located in a region that tolerates variation and lacks pathogenic variants; Has not been previously published as pathogenic or benign to our knowledge